The following is an entry in ClinVar:

NM_003900.5(SQSTM1):c.892G>A (p.Gly298Arg)

Gene: SQSTM1 (sequestosome 1; plus strand). Cytogenetic location: 5q35.3.
Variant type: single nucleotide variant.
Coding change: c.892G>A on transcript NM_003900.5 (MANE Select); coding-DNA position 892, G replaced by A.
Protein change: p.Gly298Arg; replaces glycine 298 with arginine.
Molecular consequence: missense variant.
Genome position (GRCh38, 1-based): chr5:179,833,169, G>A. VCF-style: chr5-179833169-G-A. GRCh37 (hg19) VCF-style: chr5-179260169-G-A.
Other names: c.640G>A, p.Gly214Arg (NM_001142298.2, NM_001142299.2); short protein forms G298R, G214R.
Identifiers: ClinVar variation 1416689 (VCV001416689.6), dbSNP rs2113510972, ClinGen allele CA362451626.

ClinVar aggregate classification (germline): Uncertain significance (1 of 4 stars; one submission).

Conditions:
Frontotemporal dementia and/or amyotrophic lateral sclerosis 1 (FTDALS1). Also called: Frontotemporal dementia with motor neuron disease 1; C9orf72 Frontotemporal Dementia and/or Amyotrophic Lateral Sclerosis. Identifiers: Orphanet 275872, MedGen C5779877, MONDO:0007105, OMIM 105550.
Paget disease of bone 2, early-onset (PDB2). Also called: Paget disease of bone 2. Identifiers: MedGen C4085251, MONDO:0011183, OMIM 602080.

Allele frequency attached by ClinVar (database versions not stated): gnomAD exomes below 0.00001.
gnomAD v4.1: 1 of 1,614,088 alleles (0.000062%); highest among the groups gnomAD compares: Non-Finnish European, 0.000085%; no homozygotes.

Submission:

Labcorp Genetics (formerly Invitae), Labcorp
Classification: Uncertain significance for Paget disease of bone 2, early-onset; Frontotemporal dementia and/or amyotrophic lateral sclerosis 1. Last evaluated: 2021-12-02. Review status: criteria provided, single submitter. Criteria: Invitae Variant Classification Sherloc (09022015). Collection method: clinical testing. Allele origin: germline.
Comment: This sequence change replaces glycine, which is neutral and non-polar, with arginine, which is basic and polar, at codon 298 of the SQSTM1 protein (p.Gly298Arg). This variant is not present in population databases (gnomAD no frequency). This variant has not been reported in the literature in individuals affected with SQSTM1-related conditions. Algorithms developed to predict the effect of missense changes on protein structure and function output the following: SIFT: "Tolerated"; PolyPhen-2: "Benign"; Align-GVGD: "Class C0". The arginine amino acid residue is found in multiple mammalian species, which suggests that this missense change does not adversely affect protein function. In summary, the available evidence is currently insufficient to determine the role of this variant in disease. Therefore, it has been classified as a Variant of Uncertain Significance.